The following is an entry in ClinVar:

ClinVar aggregate classification (germline): Uncertain significance (1 of 4 stars; one submission).

Submission:

Ambry Genetics
Classification: Uncertain significance. Last evaluated: 2026-02-19. Review status: criteria provided, single submitter. Criteria: Ambry Variant Classification Scheme 2023. Collection method: clinical testing. Allele origin: germline.
Comment: The p.D75Y variant (also known as c.223G>T), located in coding exon 3 of the RINT1 gene, results from a G to T substitution at nucleotide position 223. The aspartic acid at codon 75 is replaced by tyrosine, an amino acid with highly dissimilar properties. This amino acid position is conserved. In addition, this alteration is predicted to be tolerated by in silico analysis. Based on the available evidence, the clinical significance of this variant remains unclear.

NM_021930.6(RINT1):c.223G>T (p.Asp75Tyr)

Gene: RINT1 (RAD50 interactor 1; plus strand). Cytogenetic location: 7q22.3.
Variant type: single nucleotide variant.
Coding change: c.223G>T on transcript NM_021930.6 (MANE Select); coding-DNA position 223, G replaced by T.
Protein change: p.Asp75Tyr; replaces aspartic acid 75 with tyrosine.
Molecular consequence: missense variant. On other transcripts: 5 prime UTR variant (3), non-coding transcript variant (1), intron variant (1).
Genome position (GRCh38, 1-based): chr7:105,536,699, G>T. VCF-style: chr7-105536699-G-T. GRCh37 (hg19) VCF-style: chr7-105177146-G-T.
Other names: c.-797G>T (NM_001346600.2); c.-700G>T (NM_001346601.2); c.-320G>T (NM_001346603.2); c.39+87G>T (NM_001346599.2); short protein forms D75Y.
Identifiers: ClinVar variation 4844525 (VCV004844525.1).